The following is an entry in ClinVar:

NM_152305.3(POGLUT1):c.1169C>G (p.Thr390Ser)

Gene: POGLUT1 (protein O-glucosyltransferase 1; plus strand). Cytogenetic location: 3q13.33.
Variant type: single nucleotide variant.
Coding change: c.1169C>G on transcript NM_152305.3 (MANE Select); coding-DNA position 1169, C replaced by G.
Protein change: p.Thr390Ser; replaces threonine 390 with serine.
Molecular consequence: missense variant. On other transcripts: non-coding transcript variant (1).
Genome position (GRCh38, 1-based): chr3:119,492,428, C>G. VCF-style: chr3-119492428-C-G. GRCh37 (hg19) VCF-style: chr3-119211275-C-G.
Other names: c.1169C>G (NM_152305.2); c.1169C>G, p.Thr390Ser (NM_020231.3); short protein forms T390S.
Identifiers: ClinVar variation 2053816 (VCV002053816.5), dbSNP rs894888474, ClinGen allele CA81704463.

ClinVar aggregate classification (germline): Uncertain significance. Review status: criteria provided, multiple submitters, no conflicts (2 of 4 stars). 2 submissions from 2 submitters: Uncertain significance (2). Last evaluated 2025-02-27.

Conditions:
Inborn genetic diseases. Identifiers: MedGen C0950123, MeSH D030342.

Allele frequency attached by ClinVar (database versions not stated): gnomAD exomes below 0.00001; gnomAD 0.00001; TOPMed 0.00002.

Submissions (2):

Ambry Genetics
Classification: Uncertain significance for Inborn genetic diseases. Last evaluated: 2025-02-27. Review status: criteria provided, single submitter. Criteria: Ambry Variant Classification Scheme 2023. Collection method: clinical testing. Allele origin: germline.

Labcorp Genetics (formerly Invitae), Labcorp
Classification: Uncertain significance. Last evaluated: 2025-02-25. Review status: criteria provided, single submitter. Criteria: Invitae Variant Classification Sherloc (09022015). Collection method: clinical testing. Allele origin: germline.
Comment: This sequence change replaces threonine, which is neutral and polar, with serine, which is neutral and polar, at codon 390 of the POGLUT1 protein (p.Thr390Ser). This variant is present in population databases (no rsID available, gnomAD no frequency). This variant has not been reported in the literature in individuals affected with POGLUT1-related conditions. ClinVar contains an entry for this variant (Variation ID: 2053816). An algorithm developed to predict the effect of missense changes on protein structure and function (PolyPhen-2) suggests that this variant is likely to be tolerated. In summary, the available evidence is currently insufficient to determine the role of this variant in disease. Therefore, it has been classified as a Variant of Uncertain Significance.